The following is an entry in ClinVar:

NM_153676.4(USH1C):c.84_85insC (p.Val29fs)

Gene: USH1C (USH1 protein network component harmonin; minus strand). Cytogenetic location: 11p15.1.
Variant type: Insertion.
Coding change: c.84_85insC on transcript NM_153676.4 (MANE Select); coding-DNA positions 84 to 85, C inserted.
Protein change: p.Val29fs; shifts the reading frame from valine 29.
Molecular consequence: frameshift variant. On other transcripts: non-coding transcript variant (1).
Genome position: GRCh38 VCF-style: chr11-17533274-C-CG. GRCh37 (hg19) VCF-style: chr11-17554821-C-CG.
Other names: c.84_85insC, p.Val29fs (NM_001297764.2, NM_005709.4); short protein forms V29fs.
Identifiers: ClinVar variation 1726353 (VCV001726353.2), dbSNP rs2497241170, ClinGen allele CA2580082812.

ClinVar aggregate classification (germline): Likely pathogenic (1 of 4 stars; one submission).

Conditions:
Usher syndrome type 1C. Also called: USHER SYNDROME, TYPE I, ACADIAN VARIETY. Identifiers: Orphanet 231169, Orphanet 886, MedGen C1848604, MONDO:0010171, OMIM 276904.

Submission:

Myriad Genetics, Inc.
Classification: Likely pathogenic for Usher syndrome type 1C. Last evaluated: 2021-12-16. Review status: criteria provided, single submitter. Criteria: Myriad Women's Health Autosomal Recessive and X-Linked Classification Criteria (2021). Collection method: clinical testing. Allele origin: unknown.
Comment: NM_005709.3(USH1C):c.84_85insC(V29Rfs*24) is expected to be pathogenic in the context of USH1C-related disorders. This variant is predicted to lead to an abnormal or absent protein product due to the creation of a premature termination codon in USH1C, a gene where loss-of-function variants are known to be pathogenic. Please note: this variant was assessed in the context of healthy population screening.